The following is an entry in ClinVar:

ClinVar aggregate classification (germline): Likely pathogenic. Review status: criteria provided, multiple submitters, no conflicts (2 of 4 stars). 2 submissions from 2 submitters: Likely pathogenic (2). Last evaluated 2025-06-26.

Conditions:
MYO5B-related disorder. Also called: MYO5B-related condition.
Cholestasis, progressive familial intrahepatic, 10 (PFIC10). Identifiers: MedGen C5676981, MONDO:0030810, OMIM 619868.

gnomAD v4.1: 9 of 1,614,168 alleles (0.00056%); highest among the groups gnomAD compares: Non-Finnish European, 0.00076%; no homozygotes.

Submissions (2):

Institute of Immunology and Genetics Kaiserslautern
Classification: Likely pathogenic for Cholestasis, progressive familial intrahepatic, 10. Last evaluated: 2025-06-26. Review status: criteria provided, single submitter. Criteria: ACMG Guidelines, 2015. Collection method: clinical testing. Allele origin: germline. Affected: yes.
Comment: ACMG Criteria: PM2, PM3, PP3, PP5; Variant was found in heterozygous state and detected together with NM_001080467.3:c.3000del.

PreventionGenetics, part of Exact Sciences
Classification: Likely pathogenic for MYO5B-related condition. Last evaluated: 2025-01-31. Review status: criteria provided, single submitter. Criteria: ACMG Guidelines, 2015. Collection method: clinical testing. Allele origin: germline.
Comment: The MYO5B c.1175T>C variant is predicted to result in the amino acid substitution p.Met392Thr. This variant has been reported in the compound heterozygous state with another disease-causing MYO5B variant in multiple unrelated individuals with MYO5B-related disease (Cockar et al. 2020. PubMed ID: 32304554; Aldrian et al. 2021. PubMed ID: 33525641). This variant has also been reported in an individual with early-onset cholestasis; however, a second disease-causing MYO5B variant was not identified (Cockar et al. 2020. PubMed ID: 32304554). This variant is reported in 0.00088% of alleles in individuals of European (non-Finnish) descent in gnomAD. Taken together, this variant is interpreted as likely pathogenic.

NM_001080467.3(MYO5B):c.1175T>C (p.Met392Thr)

Gene: MYO5B (myosin VB; minus strand). Cytogenetic location: 18q21.1.
Variant type: single nucleotide variant.
Coding change: c.1175T>C on transcript NM_001080467.3 (MANE Select); coding-DNA position 1175, T replaced by C.
Protein change: p.Met392Thr; replaces methionine 392 with threonine.
Molecular consequence: missense variant.
Genome position (GRCh38, 1-based): chr18:49,974,497, A>G on the plus strand (T>C on the coding strand, the complement: MYO5B is on the minus strand). VCF-style: chr18-49974497-A-G. GRCh37 (hg19) VCF-style: chr18-47500867-A-G.
Other names: c.1175T>C (NM_001080467.2); short protein forms M392T.
Identifiers: ClinVar variation 4074745 (VCV004074745.2).